The following is an entry in ClinVar:

NM_013275.6(ANKRD11):c.6337G>A (p.Gly2113Ser)

Gene: ANKRD11 (ankyrin repeat domain 11; minus strand). Cytogenetic location: 16q24.3.
Variant type: single nucleotide variant.
Coding change: c.6337G>A on transcript NM_013275.6 (MANE Select); coding-DNA position 6337, G replaced by A.
Protein change: p.Gly2113Ser; replaces glycine 2113 with serine.
Molecular consequence: missense variant.
Genome position (GRCh38, 1-based): chr16:89,280,205, C>T on the plus strand (G>A on the coding strand, the complement: ANKRD11 is on the minus strand). VCF-style: chr16-89280205-C-T. GRCh37 (hg19) VCF-style: chr16-89346613-C-T.
Other names: c.6337G>A, p.Gly2113Ser (NM_001256182.2, NM_001256183.2); short protein forms G2113S.
Identifiers: ClinVar variation 2140985 (VCV002140985.4), dbSNP rs370535812, ClinGen allele CA286510362.

ClinVar aggregate classification (germline): Uncertain significance (1 of 4 stars; one submission).

Conditions:
KBG syndrome (KBGS). Also called: ANKRD11-Related KBG Syndrome. Identifiers: Orphanet 2332, MedGen C0220687, MONDO:0007846, OMIM 148050.

Allele frequency attached by ClinVar (database versions not stated): gnomAD exomes 0.00002; gnomAD 0.00005; ESP Exome Variant Server 0.00008; TOPMed 0.00009.
gnomAD v4.1: 35 of 1,608,142 alleles (0.0022%); highest among the groups gnomAD compares: African/African-American, 0.019%; no homozygotes.

Submission:

Labcorp Genetics (formerly Invitae), Labcorp
Classification: Uncertain significance for KBG syndrome. Last evaluated: 2025-09-20. Review status: criteria provided, single submitter. Criteria: Invitae Variant Classification Sherloc (09022015). Collection method: clinical testing. Allele origin: germline.
Comment: This sequence change replaces glycine, which is neutral and non-polar, with serine, which is neutral and polar, at codon 2113 of the ANKRD11 protein (p.Gly2113Ser). This variant is present in population databases (rs370535812, gnomAD 0.02%). This variant has not been reported in the literature in individuals affected with ANKRD11-related conditions. ClinVar contains an entry for this variant (Variation ID: 2140985). Invitae Evidence Modeling of protein sequence and biophysical properties (such as structural, functional, and spatial information, amino acid conservation, physicochemical variation, residue mobility, and thermodynamic stability) indicates that this missense variant is not expected to disrupt ANKRD11 protein function with a negative predictive value of 95%. In summary, the available evidence is currently insufficient to determine the role of this variant in disease. Therefore, it has been classified as a Variant of Uncertain Significance.